The following is an entry in ClinVar:

NM_001163435.3(TBCK):c.1350+1del

Gene: TBCK (TBC1 domain containing kinase; minus strand). Cytogenetic location: 4q24.
Variant type: Deletion.
Coding change: c.1350+1del on transcript NM_001163435.3 (MANE Select); the canonical splice donor site of the intron after coding-DNA position 1350, one base deleted (G; older notation c.1350+1delG).
Molecular consequence: splice donor variant.
Genome position (GRCh38, 1-based): chr4:106,236,389, C deleted on the plus strand (G on the coding strand, the reverse complement: TBCK is on the minus strand); the first of 2 consecutive C bases (chr4:106,236,389-106,236,390); deleting either gives the same sequence. VCF-style (leftmost placement, unchanged base first): chr4-106236388-AC-A. GRCh37 (hg19) VCF-style: chr4-107157545-AC-A.
Other names: c.1350+1del (NM_001163436.4); c.1161+1del (NM_033115.5); c.1233+1del (NM_001163437.3); c.834+1del (NM_001290768.2).
Identifiers: ClinVar variation 3377594 (VCV003377594.1).

ClinVar aggregate classification (germline): Likely pathogenic (1 of 4 stars; one submission).

Conditions:
Hypotonia, infantile, with psychomotor retardation and characteristic facies 3 (IHPRF3). Also called: TBCK-Related Neurodevelopmental Disorder. Identifiers: Orphanet 488632, MedGen C5567480, MONDO:0014823, OMIM 616900.

Submission:

Neuberg Centre For Genomic Medicine, NCGM
Classification: Likely pathogenic for Hypotonia, infantile, with psychomotor retardation and characteristic facies 3. Review status: criteria provided, single submitter. Criteria: ACMG Guidelines, 2015. Collection method: clinical testing. Allele origin: germline. Inheritance: Autosomal recessive inheritance. Affected: yes.
Comment: The invariant splice donor c.1350+1del variant in TBCK gene has not been reported previously as a pathogenic variant nor as a benign variant, to our knowledge. The c.1350+1del variant is absent in gnomAD Exomes. This variant has not been submitted to the ClinVar database. Loss of function variants in TBCK gene have been previously reported to be disease causing (Beck-Wödl et al., 2018). Additional functional studies will be required to prove the pathogenicity of this variant. For these reasons, this variant has been classified as Likely Pathogenic.